The following is an entry in ClinVar:

ClinVar aggregate classification (germline): Pathogenic (1 of 4 stars; one submission).

Conditions:
Telangiectasia, hereditary hemorrhagic, type 2 (HHT2). Also called: ACVRL1-Related Hereditary Hemorrhagic Telangiectasia; Telangiectasia, hereditary hemorrhagic, type II. Identifiers: Orphanet 774, MedGen C1838163, MONDO:0010880, OMIM 600376. Disease mechanism: loss of function.

Allele frequency attached by ClinVar (database versions not stated): gnomAD exomes below 0.00001.
gnomAD v4.1: 3 of 1,613,914 alleles (0.00019%); highest among the groups gnomAD compares: Non-Finnish European, 0.00017%; no homozygotes.

Submission:

Labcorp Genetics (formerly Invitae), Labcorp
Classification: Pathogenic for Telangiectasia, hereditary hemorrhagic, type 2. Last evaluated: 2024-11-11. Review status: criteria provided, single submitter. Criteria: Invitae Variant Classification Sherloc (09022015). Collection method: clinical testing. Allele origin: germline.
Comment: This sequence change replaces arginine, which is basic and polar, with glycine, which is neutral and non-polar, at codon 196 of the ACVRL1 protein (p.Arg196Gly). This variant is not present in population databases (gnomAD no frequency). This missense change has been observed in individual(s) with hereditary hemorrhagic telangiectasia (internal data). It has also been observed to segregate with disease in related individuals. ClinVar contains an entry for this variant (Variation ID: 2730926). Invitae Evidence Modeling of protein sequence and biophysical properties (such as structural, functional, and spatial information, amino acid conservation, physicochemical variation, residue mobility, and thermodynamic stability) indicates that this missense variant is expected to disrupt ACVRL1 protein function with a positive predictive value of 95%. Algorithms developed to predict the effect of sequence changes on RNA splicing suggest that this variant may disrupt the consensus splice site. For these reasons, this variant has been classified as Pathogenic.

NM_000020.3(ACVRL1):c.586A>G (p.Arg196Gly)

Gene: ACVRL1 (activin A receptor like type 1; plus strand). Cytogenetic location: 12q13.13.
Variant type: single nucleotide variant.
Coding change: c.586A>G on transcript NM_000020.3 (MANE Select); coding-DNA position 586, A replaced by G.
Protein change: p.Arg196Gly; replaces arginine 196 with glycine.
Molecular consequence: missense variant. On other transcripts: intron variant (6).
Genome position (GRCh38, 1-based): chr12:51,914,034, A>G. VCF-style: chr12-51914034-A-G. GRCh37 (hg19) VCF-style: chr12-52307818-A-G.
Other names: c.586A>G, p.Arg196Gly (NM_001077401.2, NM_001406487.1, NM_001406488.1 and 1 more transcripts); c.314-405A>G (NM_001406491.1, NM_001406490.1, NM_001406492.1 and 2 more transcripts); c.62-405A>G (NM_001406495.1); short protein forms R196G.
Identifiers: ClinVar variation 2730926 (VCV002730926.3), dbSNP rs2540161650, ClinGen allele CA384899747.